The following is an entry in ClinVar:

NM_004415.4(DSP):c.7623del (p.Lys2542fs)

Gene: DSP (desmoplakin; plus strand). Cytogenetic location: 6p24.3.
Variant type: Deletion.
Coding change: c.7623del on transcript NM_004415.4 (MANE Select); coding-DNA position 7623, one base deleted (G; older notation c.7623delG).
Protein change: p.Lys2542fs; shifts the reading frame from lysine 2542.
Molecular consequence: frameshift variant.
Genome position (GRCh38, 1-based): chr6:7,584,885, G deleted; the last of 2 consecutive G bases (chr6:7,584,884-7,584,885); deleting either gives the same sequence. VCF-style (leftmost placement, unchanged base first): chr6-7584883-AG-A. GRCh37 (hg19) VCF-style: chr6-7585116-AG-A.
Other names: c.7623del (NM_004415.2); c.5826del, p.Lys1943fs (NM_001008844.3); c.6294del, p.Lys2099fs (NM_001319034.2); short protein forms K1943fs, K2542fs, K2099fs.
Identifiers: ClinVar variation 16837 (VCV000016837.17), dbSNP rs397514039, ClinGen allele CA007248.

ClinVar aggregate classification (germline): Pathogenic. Review status: criteria provided, multiple submitters, no conflicts (2 of 4 stars). 4 submissions from 4 submitters: Pathogenic (3). 1 of the submissions does not count toward it. Last evaluated 2022-07-12.

Conditions:
Arrhythmogenic right ventricular dysplasia 8 (ARVD8). Also called: ARRHYTHMOGENIC RIGHT VENTRICULAR CARDIOMYOPATHY 8; Arrhythmogenic Right Ventricular Dysplasia/Cardiomyopathy 8; ARRHYTHMOGENIC RIGHT VENTRICULAR DYSPLASIA, FAMILIAL, 8. Identifiers: MedGen C1843896, MONDO:0011831, OMIM 607450.
Arrhythmogenic cardiomyopathy with wooly hair and keratoderma. Also called: Carvajal syndrome; Dilated cardiomyopathy with woolly hair and keratoderma; PALMOPLANTAR KERATODERMA WITH LEFT VENTRICULAR CARDIOMYOPATHY AND WOOLLY HAIR; Arrhythmogenic cardiomyopathy with woolly hair and keratoderma. Identifiers: Orphanet 65282, MedGen C1854063, MONDO:0011581, OMIM 605676.

Submissions (4):

Labcorp Genetics (formerly Invitae), Labcorp
Classification: Pathogenic for Arrhythmogenic cardiomyopathy with wooly hair and keratoderma; Arrhythmogenic right ventricular dysplasia 8. Last evaluated: 2022-07-12. Review status: criteria provided, single submitter. Criteria: Invitae Variant Classification Sherloc (09022015). Collection method: clinical testing. Allele origin: germline.
Comment: ClinVar contains an entry for this variant (Variation ID: 16837). This variant is also known as 7901delG. This premature translational stop signal has been observed in individuals with Carvajal syndrome (PMID: 11063735). It has also been observed to segregate with disease in related individuals. This variant is not present in population databases (gnomAD no frequency). This sequence change creates a premature translational stop signal (p.Lys2542Serfs*19) in the DSP gene. While this is not anticipated to result in nonsense mediated decay, it is expected to disrupt the last 330 amino acid(s) of the DSP protein. Algorithms developed to predict the effect of sequence changes on RNA splicing suggest that this variant may create or strengthen a splice site. For these reasons, this variant has been classified as Pathogenic.

Women's Health and Genetics/Laboratory Corporation of America, LabCorp
Classification: Pathogenic for Arrhythmogenic cardiomyopathy with wooly hair and keratoderma. Last evaluated: 2021-10-27. Review status: criteria provided, single submitter. Criteria: LabCorp Variant Classification Summary - May 2015. Collection method: clinical testing. Allele origin: germline.
Comment: Variant summary: DSP c.7623delG (p.Lys2542SerfsX19) results in a premature termination codon, predicted to cause a truncation of the encoded protein or absence of the protein due to nonsense mediated decay, which are commonly known mechanisms for disease. Truncations downstream of this position have been classified as pathogenic by our laboratory. The variant was absent in 251490 control chromosomes (gnomAD). c.7623delG has been reported in the literature in multiple homozygous individuals affected with Carvajal Syndrome (Norgett_2000). These data indicate that the variant is very likely to be associated with disease. Two ClinVar submitters (evaluation after 2014) cite the variant as pathogenic. Based on the evidence outlined above, the variant was classified as pathogenic.

GeneDx
Classification: Pathogenic. Last evaluated: 2019-07-08. Review status: criteria provided, single submitter. Criteria: GeneDx Variant Classification Process June 2021. Collection method: clinical testing. Allele origin: germline. Affected: yes.
Comment: Not observed in large population cohorts (Lek et al., 2016); Frameshift variant predicted to result in protein truncation in a gene for which loss-of-function is a known mechanism of disease; This variant is associated with the following publications: (PMID: 11063735, 25227139, 14761782, 8769422)

OMIM
Classification: Pathogenic for CARDIOMYOPATHY, DILATED, WITH WOOLLY HAIR AND KERATODERMA. Last evaluated: 2000-11-01. Review status: no assertion criteria provided. Collection method: literature only. Allele origin: germline. Not counted in ClinVar's aggregate classification.

Literature cited by the submitters: PubMed 11063735 (cited by 3 submitters); PubMed 32593191 (cited by Women's Health and Genetics/Laboratory Corporation of America, LabCorp); PubMed 8769422 (cited by OMIM).